The following is an entry in ClinVar:

ClinVar aggregate classification (germline): Conflicting classifications of pathogenicity. Review status: criteria provided, conflicting classifications (1 of 4 stars). 3 submissions from 3 submitters: Uncertain significance (1); Likely benign (2). Last evaluated 2025-11-21.

Conditions:
Cardiovascular phenotype. Identifiers: MedGen CN230736.

Allele frequency attached by ClinVar (database versions not stated): ExAC 0.00008; gnomAD 0.00008 and 0.00009; TOPMed 0.00008; gnomAD exomes 0.00009; ESP Exome Variant Server 0.00019.
gnomAD v4.1: 100 of 1,210,795 alleles (0.0083%); highest among the groups gnomAD compares: Admixed American, 0.037%; no homozygotes.

Submissions (4):

Labcorp Genetics (formerly Invitae), Labcorp
Classification: Uncertain significance. Last evaluated: 2025-11-21. Review status: criteria provided, single submitter. Criteria: Invitae Variant Classification Sherloc (09022015). Collection method: clinical testing. Allele origin: germline.
Comment: This sequence change replaces glycine, which is neutral and non-polar, with arginine, which is basic and polar, at codon 326 of the BGN protein (p.Gly326Arg). This variant is present in population databases (rs200072898, gnomAD 0.05%), and has an allele count higher than expected for a pathogenic variant. This variant has not been reported in the literature in individuals affected with BGN-related conditions. ClinVar contains an entry for this variant (Variation ID: 1317545). An algorithm developed to predict the effect of missense changes on protein structure and function (PolyPhen-2) suggests that this variant is likely to be disruptive. In summary, the available evidence is currently insufficient to determine the role of this variant in disease. Therefore, it has been classified as a Variant of Uncertain Significance.

Ambry Genetics
Classification: Likely benign for Cardiovascular phenotype. Last evaluated: 2024-08-29. Review status: criteria provided, single submitter. Criteria: Ambry Variant Classification Scheme 2023. Collection method: clinical testing. Allele origin: germline.

GeneDx
Classification: Likely benign. Last evaluated: 2021-02-23. Review status: criteria provided, single submitter. Criteria: GeneDx Variant Classification Process June 2021. Collection method: clinical testing. Allele origin: germline. Affected: yes.

Dr. Peter K. Rogan Lab, Western University
No classification provided (evidence only). Condition: Nonpapillary renal cell carcinoma. Review status: no classification provided. Collection method: in vitro. Allele origin: not applicable. Functional consequence: retained intron. Not counted in ClinVar's aggregate classification.

NM_001711.6(BGN):c.976G>A (p.Gly326Arg)

Gene: BGN (biglycan; plus strand). Cytogenetic location: Xq28.
Variant type: single nucleotide variant.
Coding change: c.976G>A on transcript NM_001711.6 (MANE Select); coding-DNA position 976, G replaced by A.
Protein change: p.Gly326Arg; replaces glycine 326 with arginine.
Molecular consequence: missense variant.
Genome position (GRCh38, 1-based): chrX:153,508,314, G>A. VCF-style: chrX-153508314-G-A. GRCh37 (hg19) VCF-style: chrX-152773772-G-A.
Other names: short protein forms G326R.
Identifiers: ClinVar variation 1317545 (VCV001317545.11), dbSNP rs200072898, ClinGen allele CA10547373.